The following is an entry in ClinVar:

ClinVar aggregate classification (germline): Uncertain significance. Review status: criteria provided, multiple submitters, no conflicts (2 of 4 stars). 2 submissions from 2 submitters: Uncertain significance (2). Last evaluated 2025-04-28.

Conditions:
POLD1-related polyposis and colorectal cancer syndrome (CRCS10). Also called: Colorectal cancer 10; COLORECTAL CANCER, SUSCEPTIBILITY TO, ON CHROMOSOME 19q; Colorectal cancer, susceptibility to, 10. Identifiers: Orphanet 220460, MedGen C2675481, MONDO:0012953, OMIM 612591.
Mandibular hypoplasia-deafness-progeroid syndrome. Also called: Mandibular hypoplasia, deafness, progeroid features, and lipodystrophy syndrome. Identifiers: Orphanet 363649, MedGen C3715192, MONDO:0014157, OMIM 615381.
Polymerase proofreading-related adenomatous polyposis. Also called: Polymerase proofreading associated polyposis; Polymerase proofreading–associated polyposis (PPAP). Identifiers: Orphanet 447877, MedGen C5202613, MONDO:0018653.
Hereditary cancer-predisposing syndrome. Also called: Neoplastic Syndromes, Hereditary; Hereditary neoplastic syndrome; Tumor predisposition; Hereditary Cancer Syndrome. Identifiers: Orphanet 140162, MedGen C0027672, MeSH D009386, MONDO:0015356.

Allele frequency attached by ClinVar (database versions not stated): gnomAD exomes below 0.00001; ExAC 0.00001.
gnomAD v4.1: 1 of 1,598,950 alleles (0.000063%); highest among the groups gnomAD compares: Non-Finnish European, 0.000085%; no homozygotes.

Submissions (2):

Ambry Genetics
Classification: Uncertain significance for Hereditary cancer-predisposing syndrome. Last evaluated: 2025-04-28. Review status: criteria provided, single submitter. Criteria: Ambry Variant Classification Scheme 2023. Collection method: clinical testing. Allele origin: germline.
Comment: The p.T213A variant (also known as c.637A>G), located in coding exon 5 of the POLD1 gene, results from an A to G substitution at nucleotide position 637. The threonine at codon 213 is replaced by alanine, an amino acid with similar properties. This amino acid position is conserved. In addition, this alteration is predicted to be tolerated by in silico analysis. Since supporting evidence is limited at this time, the clinical significance of this alteration remains unclear.

Labcorp Genetics (formerly Invitae), Labcorp
Classification: Uncertain significance for POLD1-related polyposis and colorectal cancer syndrome. Last evaluated: 2024-10-25. Review status: criteria provided, single submitter. Criteria: Invitae Variant Classification Sherloc (09022015). Collection method: clinical testing. Allele origin: germline.
Comment: This sequence change replaces threonine, which is neutral and polar, with alanine, which is neutral and non-polar, at codon 213 of the POLD1 protein (p.Thr213Ala). This variant is present in population databases (rs750753334, gnomAD 0.0009%). This variant has not been reported in the literature in individuals affected with POLD1-related conditions. ClinVar contains an entry for this variant (Variation ID: 469372). Invitae Evidence Modeling of protein sequence and biophysical properties (such as structural, functional, and spatial information, amino acid conservation, physicochemical variation, residue mobility, and thermodynamic stability) indicates that this missense variant is not expected to disrupt POLD1 protein function with a negative predictive value of 80%. In summary, the available evidence is currently insufficient to determine the role of this variant in disease. Therefore, it has been classified as a Variant of Uncertain Significance.

NM_002691.4(POLD1):c.637A>G (p.Thr213Ala)

Gene: POLD1 (DNA polymerase delta 1, catalytic subunit; plus strand). Cytogenetic location: 19q13.33.
Variant type: single nucleotide variant.
Coding change: c.637A>G on transcript NM_002691.4 (MANE Select); coding-DNA position 637, A replaced by G.
Protein change: p.Thr213Ala; replaces threonine 213 with alanine.
Molecular consequence: missense variant. On other transcripts: non-coding transcript variant (1).
Genome position (GRCh38, 1-based): chr19:50,402,252, A>G. VCF-style: chr19-50402252-A-G. GRCh37 (hg19) VCF-style: chr19-50905509-A-G.
Other names: c.637A>G, p.Thr213Ala (NM_001256849.1, NM_001308632.1); short protein forms T213A.
Identifiers: ClinVar variation 469372 (VCV000469372.15), dbSNP rs750753334, ClinGen allele CA9595844.
Genomic context (GRCh38, chr19:50,402,252, plus strand): 5'-CTTCCATCCACAGGCATGTTTGGGTACCACGGGCACGGCCCCTCCCCGTTCCTGCGCATC[A>G]CCGTGGCGCTGCCGCGCCTCGTGGCCCCGGCCCGCCGTCTCCTGGAACAGGGCATCCGTG-3'
Protein context (NP_002682.2, residues 203-223): GHGPSPFLRI[Thr213Ala]VALPRLVAPA